The following is an entry in ClinVar:

ClinVar aggregate classification (germline): Uncertain significance. Review status: criteria provided, multiple submitters, no conflicts (2 of 4 stars). 5 submissions from 5 submitters: Uncertain significance (5). Last evaluated 2025-05-08.

Conditions:
Hereditary cancer-predisposing syndrome. Also called: Hereditary Cancer Syndrome; Tumor predisposition; Neoplastic Syndromes, Hereditary; Hereditary neoplastic syndrome. Identifiers: Orphanet 140162, MedGen C0027672, MeSH D009386, MONDO:0015356.
Familial cancer of breast. Also called: hereditary breast carcinoma; BREAST CANCER, FAMILIAL; Hereditary breast cancer. Identifiers: Orphanet 227535, MedGen C0346153, MONDO:0016419, OMIM 114480. Disease mechanism: loss of function.
Ataxia-telangiectasia syndrome (AT). Also called: ATAXIA-TELANGIECTASIA, COMPLEMENTATION GROUP A; ATAXIA-TELANGIECTASIA, FRESNO VARIANT; Ataxia-telangiectasia; Ataxia-telangiectasia, complementation group E; Cerebello-oculocutaneous telangiectasia; Immunodeficiency with ataxia telangiectasia. Identifiers: Orphanet 100, MedGen C0004135, MONDO:0008840, OMIM 208900.

Submissions (5):

Ambry Genetics
Classification: Uncertain significance for Hereditary cancer-predisposing syndrome. Last evaluated: 2025-05-08. Review status: criteria provided, single submitter. Criteria: Ambry Variant Classification Scheme 2023. Collection method: clinical testing. Allele origin: germline.
Comment: The p.Y1938N variant (also known as c.5812T>A), located in coding exon 38 of the ATM gene, results from a T to A substitution at nucleotide position 5812. The tyrosine at codon 1938 is replaced by asparagine, an amino acid with dissimilar properties. This amino acid position is highly conserved in available vertebrate species. In addition, this alteration is predicted to be deleterious by in silico analysis. Since supporting evidence is limited at this time, the clinical significance of this alteration remains unclear.

GeneDx
Classification: Uncertain significance. Last evaluated: 2024-02-13. Review status: criteria provided, single submitter. Criteria: GeneDx Variant Classification Process June 2021. Collection method: clinical testing. Allele origin: germline. Affected: yes.
Comment: Not observed at significant frequency in large population cohorts (gnomAD); In silico analysis supports that this missense variant has a deleterious effect on protein structure/function; Has not been previously published as pathogenic or benign to our knowledge

Baylor Genetics
Classification: Uncertain significance for Familial cancer of breast. Last evaluated: 2023-05-16. Review status: criteria provided, single submitter. Criteria: ACMG Guidelines, 2015. Collection method: clinical testing. Allele origin: unknown.

Labcorp Genetics (formerly Invitae), Labcorp
Classification: Uncertain significance for Ataxia-telangiectasia syndrome. Last evaluated: 2022-09-25. Review status: criteria provided, single submitter. Criteria: Invitae Variant Classification Sherloc (09022015). Collection method: clinical testing. Allele origin: germline.
Comment: This sequence change replaces tyrosine, which is neutral and polar, with asparagine, which is neutral and polar, at codon 1938 of the ATM protein (p.Tyr1938Asn). This variant is not present in population databases (gnomAD no frequency). This variant has not been reported in the literature in individuals affected with ATM-related conditions. ClinVar contains an entry for this variant (Variation ID: 187356). Algorithms developed to predict the effect of missense changes on protein structure and function (SIFT, PolyPhen-2, Align-GVGD) all suggest that this variant is likely to be disruptive. In summary, the available evidence is currently insufficient to determine the role of this variant in disease. Therefore, it has been classified as a Variant of Uncertain Significance.

Department of Pathology and Laboratory Medicine, Sinai Health System
Classification: Uncertain significance for Familial cancer of breast. Last evaluated: 2022-03-23. Review status: criteria provided, single submitter. Criteria: ACMG Guidelines, 2015. Collection method: clinical testing. Allele origin: germline. Affected: yes.

NM_000051.4(ATM):c.5812T>A (p.Tyr1938Asn)

Genes: ATM (ATM serine/threonine kinase; plus strand), C11orf65 (chromosome 11 open reading frame 65; minus strand). Cytogenetic location: 11q22.3.
Variant type: single nucleotide variant.
Coding change: c.5812T>A on transcript NM_000051.4 (MANE Select); coding-DNA position 5812, T replaced by A.
Protein change: p.Tyr1938Asn; replaces tyrosine 1938 with asparagine.
Molecular consequence: missense variant. On other transcripts: intron variant (2).
Genome position (GRCh38, 1-based): chr11:108,310,209, T>A. VCF-style: chr11-108310209-T-A. GRCh37 (hg19) VCF-style: chr11-108180936-T-A.
Other names: c.5812T>A, p.Tyr1938Asn (NM_001351834.2); c.641-1138A>T (NM_001330368.2); c.*39-1138A>T (NM_001351110.2); short protein forms Y1938N.
Identifiers: ClinVar variation 187356 (VCV000187356.20), dbSNP rs786203668, ClinGen allele CA197442.